The following is an entry in ClinVar:

ClinVar aggregate classification (germline): Pathogenic/Likely pathogenic. Review status: criteria provided, multiple submitters, no conflicts (2 of 4 stars). 3 submissions from 3 submitters: Pathogenic (1); Likely pathogenic (2). Last evaluated 2025-08-11.

Conditions:
Fanconi anemia complementation group A (FANCA). Also called: Fanconi anemia, group A; FANCA-Related Fanconi Anemia. Identifiers: Orphanet 84, MedGen C3469521, MONDO:0009215, OMIM 227650.
Fanconi anemia (FA). Also called: Fanconi's anemia. Identifiers: Orphanet 84, MedGen C0015625, MeSH D005199, MONDO:0019391.

Submissions (3):

Labcorp Genetics (formerly Invitae), Labcorp
Classification: Pathogenic for Fanconi anemia. Last evaluated: 2025-08-11. Review status: criteria provided, single submitter. Criteria: Invitae Variant Classification Sherloc (09022015). Collection method: clinical testing. Allele origin: germline.
Comment: This sequence change creates a premature translational stop signal (p.Leu684Glnfs*8) in the FANCA gene. It is expected to result in an absent or disrupted protein product. Loss-of-function variants in FANCA are known to be pathogenic (PMID: 19367192). This variant is not present in population databases (gnomAD no frequency). This variant has not been reported in the literature in individuals affected with FANCA-related conditions. ClinVar contains an entry for this variant (Variation ID: 1975856). For these reasons, this variant has been classified as Pathogenic.

Fulgent Genetics
Classification: Likely pathogenic for Fanconi anemia complementation group A. Last evaluated: 2024-02-07. Review status: criteria provided, single submitter. Criteria: ACMG Guidelines, 2015. Collection method: clinical testing. Allele origin: germline.

Baylor Genetics
Classification: Likely pathogenic for Fanconi anemia complementation group A. Last evaluated: 2024-01-20. Review status: criteria provided, single submitter. Criteria: ACMG Guidelines, 2015. Collection method: clinical testing. Allele origin: unknown.

Literature cited by the submitters: PubMed 19367192 (cited by Labcorp Genetics (formerly Invitae), Labcorp).

NM_000135.4(FANCA):c.2051_2052del (p.Leu684fs)

Gene: FANCA (FA complementation group A; minus strand). Cytogenetic location: 16q24.3.
Variant type: Deletion.
Coding change: c.2051_2052del on transcript NM_000135.4 (MANE Select); coding-DNA positions 2051 to 2052, 2 bases deleted (TG; older notation c.2051_2052delTG).
Protein change: p.Leu684fs; shifts the reading frame from leucine 684.
Molecular consequence: frameshift variant.
Genome position (GRCh38, 1-based): chr16:89,771,777-89,771,778, CA deleted on the plus strand (TG on the coding strand, the reverse complement: FANCA is on the minus strand). VCF-style (leftmost placement, unchanged base first): chr16-89771776-TCA-T. GRCh37 (hg19) VCF-style: chr16-89838184-TCA-T.
Other names: c.2051_2052del, p.Leu684fs (NM_001286167.3); short protein forms L684fs.
Identifiers: ClinVar variation 1975856 (VCV001975856.7), dbSNP rs2544202887, ClinGen allele CA2580092381.